The following is an entry in ClinVar:

NM_032524.2(KRTAP4-4):c.291G>A (p.Arg97=)

Gene: KRTAP4-4 (keratin associated protein 4-4; minus strand). Cytogenetic location: 17q21.2.
Variant type: single nucleotide variant.
Coding change: c.291G>A on transcript NM_032524.2 (MANE Select); coding-DNA position 291, G replaced by A.
Protein change: p.Arg97=; no amino-acid change (arginine 97 retained).
Molecular consequence: synonymous variant.
Genome position (GRCh38, 1-based): chr17:41,160,401, C>T on the plus strand (G>A on the coding strand, the complement: KRTAP4-4 is on the minus strand). VCF-style: chr17-41160401-C-T. GRCh37 (hg19) VCF-style: chr17-39316653-C-T.
Identifiers: ClinVar variation 2647758 (VCV002647758.24), dbSNP rs1455750356, ClinGen allele CA500193284.

ClinVar aggregate classification (germline): Likely benign (1 of 4 stars; one submission).

Allele frequency attached by ClinVar (database versions not stated): gnomAD exomes 0.00001.
gnomAD v4.1: 13 of 1,606,026 alleles (0.00081%); highest among the groups gnomAD compares: Non-Finnish European, 0.0011%; no homozygotes.

Submission:

CeGaT Center for Human Genetics Tuebingen
Classification: Likely benign. Last evaluated: 2023-02-01. Review status: criteria provided, single submitter. Criteria: CeGaT Center For Human Genetics Tuebingen Variant Classification Criteria Version 2. Collection method: clinical testing. Allele origin: germline. Affected: yes. Observed: 1 variant allele.
Comment: KRTAP4-4: PM2:Supporting, BP4, BP7